The following is an entry in ClinVar:

ClinVar aggregate classification (germline): Uncertain significance. Review status: criteria provided, multiple submitters, no conflicts (2 of 4 stars). 3 submissions from 3 submitters: Uncertain significance (3). Last evaluated 2025-11-26.

Conditions:
Hereditary cancer-predisposing syndrome. Also called: Neoplastic Syndromes, Hereditary; Tumor predisposition; Hereditary Cancer Syndrome; Hereditary neoplastic syndrome. Identifiers: Orphanet 140162, MedGen C0027672, MeSH D009386, MONDO:0015356.

Allele frequency attached by ClinVar (database versions not stated): ExAC 0.00001; gnomAD exomes 0.00001; TOPMed 0.00001.
gnomAD v4.1: 3 of 1,612,530 alleles (0.00019%); highest among the groups gnomAD compares: Admixed American, 0.0033%; no homozygotes.

Submissions (3):

Ambry Genetics
Classification: Uncertain significance for Hereditary cancer-predisposing syndrome. Last evaluated: 2025-11-26. Review status: criteria provided, single submitter. Criteria: Ambry Variant Classification Scheme 2023. Collection method: clinical testing. Allele origin: germline.
Comment: The p.S344L variant (also known as c.1031C>T), located in coding exon 7 of the RAD50 gene, results from a C to T substitution at nucleotide position 1031. The serine at codon 344 is replaced by leucine, an amino acid with dissimilar properties. This amino acid position is not well conserved in available vertebrate species. In addition, this alteration is predicted to be benign and tolerated by PolyPhen and SIFT in silico analyses, respectively. Since supporting evidence is limited at this time, the clinical significance of this alteration remains unclear.

Labcorp Genetics (formerly Invitae), Labcorp
Classification: Uncertain significance for Hereditary cancer-predisposing syndrome. Last evaluated: 2025-10-08. Review status: criteria provided, single submitter. Criteria: Invitae Variant Classification Sherloc (09022015). Collection method: clinical testing. Allele origin: germline.
Comment: This sequence change replaces serine, which is neutral and polar, with leucine, which is neutral and non-polar, at codon 344 of the RAD50 protein (p.Ser344Leu). This variant is present in population databases (rs775145190, gnomAD 0.006%). This variant has not been reported in the literature in individuals affected with RAD50-related conditions. ClinVar contains an entry for this variant (Variation ID: 231358). Invitae Evidence Modeling of protein sequence and biophysical properties (such as structural, functional, and spatial information, amino acid conservation, physicochemical variation, residue mobility, and thermodynamic stability) indicates that this missense variant is not expected to disrupt RAD50 protein function with a negative predictive value of 80%. In summary, the available evidence is currently insufficient to determine the role of this variant in disease. Therefore, it has been classified as a Variant of Uncertain Significance.

Quest Diagnostics Nichols Institute San Juan Capistrano
Classification: Uncertain significance. Last evaluated: 2024-12-27. Review status: criteria provided, single submitter. Criteria: Quest Diagnostics criteria. Collection method: clinical testing. Allele origin: unknown.
Comment: The RAD50 c.1031C>T (p.Ser344Leu) variant has not been reported in individuals with RAD50-related conditions in the published literature. The frequency of this variant in the general population (Genome Aggregation Database) is uninformative in the assessment of its pathogenicity. Analysis of this variant using bioinformatics tools for the prediction of the effect of amino acid changes on protein structure and function yielded conflicting predictions that this variant is deleterious or benign. Based on the available information, we are unable to determine the clinical significance of this variant.

NM_005732.4(RAD50):c.1031C>T (p.Ser344Leu)

Gene: RAD50 (RAD50 double strand break repair protein; plus strand). Cytogenetic location: 5q31.1.
Variant type: single nucleotide variant.
Coding change: c.1031C>T on transcript NM_005732.4 (MANE Select); coding-DNA position 1031, C replaced by T.
Protein change: p.Ser344Leu; replaces serine 344 with leucine.
Molecular consequence: missense variant.
Genome position (GRCh38, 1-based): chr5:132,588,069, C>T. VCF-style: chr5-132588069-C-T. GRCh37 (hg19) VCF-style: chr5-131923761-C-T.
Other names: short protein forms S344L.
Identifiers: ClinVar variation 231358 (VCV000231358.16), dbSNP rs775145190, ClinGen allele CA3405076.